The following is an entry in ClinVar:

ClinVar aggregate classification (germline): Uncertain significance (1 of 4 stars; one submission).

gnomAD v4.1: 1 of 1,614,176 alleles (0.000062%); highest among the groups gnomAD compares: Non-Finnish European, 0.000085%; no homozygotes.

Submission:

Ambry Genetics
Classification: Uncertain significance. Last evaluated: 2024-07-24. Review status: criteria provided, single submitter. Criteria: Ambry Variant Classification Scheme 2023. Collection method: clinical testing. Allele origin: germline.
Comment: The p.R32C variant (also known as c.94C>T), located in coding exon 1 of the SLMAP gene, results from a C to T substitution at nucleotide position 94. The arginine at codon 32 is replaced by cysteine, an amino acid with highly dissimilar properties. This amino acid position is conserved. In addition, this alteration is predicted to be deleterious by in silico analysis. Based on the available evidence, the clinical significance of this variant remains unclear.

NM_001377540.1(SLMAP):c.94C>T (p.Arg32Cys)

Gene: SLMAP (sarcolemma associated protein; plus strand). Cytogenetic location: 3p14.3.
Variant type: single nucleotide variant.
Coding change: c.94C>T on transcript NM_001377540.1 (MANE Select); coding-DNA position 94, C replaced by T.
Protein change: p.Arg32Cys; replaces arginine 32 with cysteine.
Molecular consequence: missense variant. On other transcripts: non-coding transcript variant (1).
Genome position (GRCh38, 1-based): chr3:57,757,745, C>T. VCF-style: chr3-57757745-C-T. GRCh37 (hg19) VCF-style: chr3-57743472-C-T.
Other names: c.94C>T, p.Arg32Cys (NM_001304420.3, NM_001304421.2, NM_001377538.1 and 17 more transcripts); short protein forms R32C.
Identifiers: ClinVar variation 3445698 (VCV003445698.1).